The following is an entry in ClinVar:

ClinVar aggregate classification (germline): Uncertain significance (1 of 4 stars; one submission).

Submission:

GeneDx
Classification: Uncertain significance. Last evaluated: 2025-06-26. Review status: criteria provided, single submitter. Criteria: GeneDx Variant Classification Process June 2021. Collection method: clinical testing. Allele origin: germline. Affected: yes.
Comment: Not observed at significant frequency in large population cohorts (gnomAD); In-frame deletion of 2 amino acid(s) in a non-repeat region; In silico analysis suggests that this variant does not alter protein structure/function; Has not been previously published as pathogenic or benign to our knowledge

NM_001330260.2(SCN8A):c.1719_1724del (p.Phe574_Arg575del)

Gene: SCN8A (sodium voltage-gated channel alpha subunit 8; plus strand). Cytogenetic location: 12q13.13.
Variant type: Deletion.
Coding change: c.1719_1724del on transcript NM_001330260.2 (MANE Select); coding-DNA positions 1719 to 1724, 6 bases deleted (GTTCCG; older notation c.1719_1724delGTTCCG).
Protein change: p.Phe574_Arg575del.
Genome position (GRCh38, 1-based): chr12:51,721,629-51,721,634, GTTCCG deleted; deleting any 6 consecutive bases within chr12:51,721,627-51,721,634 gives the same sequence; the c. name uses the placement nearest the transcript's 3' end. VCF-style (leftmost placement, unchanged base first): chr12-51721626-GCGGTTC-G. GRCh37 (hg19) VCF-style: chr12-52115410-GCGGTTC-G.
Other names: c.1719_1724del, p.Phe574_Arg575del (NM_001177984.3, NM_001369788.1, NM_014191.4).
Identifiers: ClinVar variation 4540106 (VCV004540106.1).